The following is an entry in ClinVar:

ClinVar aggregate classification (germline): Pathogenic/Likely pathogenic. Review status: criteria provided, multiple submitters, no conflicts (2 of 4 stars). 6 submissions from 6 submitters: Pathogenic (2); Likely pathogenic (3). 1 of the submissions does not count toward it. Last evaluated 2025-07-03.

Conditions:
Renal carnitine transport defect (CDSP). Also called: Carnitine transporter deficiency; Carnitine Deficiency, Systemic; Primary carnitine deficiency; Systemic primary carnitine deficiency disease; CARNITINE DEFICIENCY, SYSTEMIC, DUE TO DEFECT IN RENAL REABSORPTION OF CARNITINE; CARNITINE TRANSPORTER, PLASMA-MEMBRANE, DEFICIENCY OF. Identifiers: Orphanet 158, MedGen C0342788, MONDO:0008919, OMIM 212140.
Carnitine deficiency. Identifiers: MedGen C1142132.

Allele frequency attached by ClinVar (database versions not stated): ExAC 0.00001; gnomAD 0.00001; gnomAD exomes 0.00001; TOPMed 0.00001.

Submissions (6):

Labcorp Genetics (formerly Invitae), Labcorp
Classification: Pathogenic for Renal carnitine transport defect. Last evaluated: 2025-07-03. Review status: criteria provided, single submitter. Criteria: Invitae Variant Classification Sherloc (09022015). Collection method: clinical testing. Allele origin: germline.
Comment: This sequence change creates a premature translational stop signal (p.Leu24Argfs*19) in the SLC22A5 gene. It is expected to result in an absent or disrupted protein product. Loss-of-function variants in SLC22A5 are known to be pathogenic (PMID: 9916797). This variant is present in population databases (rs775502377, gnomAD 0.0009%). This variant has not been reported in the literature in individuals affected with SLC22A5-related conditions. ClinVar contains an entry for this variant (Variation ID: 423731). For these reasons, this variant has been classified as Pathogenic.

Natera, Inc.
Classification: Likely pathogenic for Carnitine deficiency. Last evaluated: 2025-05-23. Review status: criteria provided, single submitter. Criteria: Natera Variant Classification Schema (03/2026). Collection method: clinical testing. Allele origin: germline.
Comment: The c.71delT variant in SLC22A5 is a frameshift variant predicted to shift the reading frame beginning at codon 24 and leads to a stop codon 19 codons downstream. This variant is expected to result in nonsense mediated decay, truncation, or a dysfunctional protein product. This variant is rare in the general population with a frequency below the threshold expected for the associated phenotype(s). Given the available evidence, this variant is classified as Likely Pathogenic.

GeneDx
Classification: Pathogenic. Last evaluated: 2025-03-26. Review status: criteria provided, single submitter. Criteria: GeneDx Variant Classification Process June 2021. Collection method: clinical testing. Allele origin: germline. Affected: yes.
Comment: Frameshift variant predicted to result in protein truncation or nonsense mediated decay in a gene for which loss-of-function is a known mechanism of disease; Not observed at a significant frequency in large population cohorts (gnomAD); Has not been previously published as pathogenic or benign to our knowledge

Fulgent Genetics
Classification: Likely pathogenic for Renal carnitine transport defect. Last evaluated: 2024-03-22. Review status: criteria provided, single submitter. Criteria: ACMG Guidelines, 2015. Collection method: clinical testing. Allele origin: germline.

Baylor Genetics
Classification: Likely pathogenic for Renal carnitine transport defect. Last evaluated: 2023-07-20. Review status: criteria provided, single submitter. Criteria: ACMG Guidelines, 2015. Collection method: clinical testing. Allele origin: unknown.

Counsyl
Classification: Likely pathogenic for Renal carnitine transport defect. Last evaluated: 2017-10-27. Review status: no assertion criteria provided. Collection method: clinical testing. Allele origin: unknown. Not counted in ClinVar's aggregate classification.

Literature cited by the submitters: PubMed 9916797 (cited by Labcorp Genetics (formerly Invitae), Labcorp).

NM_003060.4(SLC22A5):c.71del (p.Leu24fs)

Gene: SLC22A5 (solute carrier family 22 member 5; plus strand). Cytogenetic location: 5q31.1.
Variant type: Deletion.
Coding change: c.71del on transcript NM_003060.4 (MANE Select); coding-DNA position 71, one base deleted (T; older notation c.71delT).
Protein change: p.Leu24fs; shifts the reading frame from leucine 24.
Molecular consequence: frameshift variant.
Genome position (GRCh38, 1-based): chr5:132,370,043, T deleted. VCF-style (leftmost placement, unchanged base first): chr5-132370042-CT-C. GRCh37 (hg19) VCF-style: chr5-131705734-CT-C.
Other names: c.71delT (NM_003060.3); c.71del, p.Leu24fs (NM_001308122.2); short protein forms L24fs.
Identifiers: ClinVar variation 423731 (VCV000423731.15), dbSNP rs775502377, ClinGen allele CA3403775.